The following is an entry in ClinVar:

ClinVar aggregate classification (germline): Uncertain significance (1 of 4 stars; one submission).

Submission:

Women's Health and Genetics/Laboratory Corporation of America, LabCorp
Classification: Uncertain significance. Last evaluated: 2023-01-06. Review status: criteria provided, single submitter. Criteria: LabCorp Variant Classification Summary - May 2015. Collection method: clinical testing. Allele origin: germline.
Comment: Variant summary: The variant identified by MLPA or other technology involves the duplication of exons 7-10 in the BRIP1 gene. A presumed nomenclature of c.(627+1_628-1)_(1473+1_1474-1)dup has been designated for the purposes of this classification. It has been assumed that this is a tandem duplication in direct orientation (Richardson_GIM_2018, Newman_AJHG_2015). Although exact breakpoints of this duplication are not known, it is expected to result in a large in-frame duplication in the BRIP1 gene. The variant was absent in 21690 control chromosomes (gnomAD, structural variant dataset). The available data on variant occurrences in the general population are insufficient to allow any conclusion about variant significance. To our knowledge, no occurrence of c.(627+1_628-1)_(1473+1_1474-1)dup in individuals affected with Fanconi Anemia Complementation Group J or other BRIP1-related disorders and no experimental evidence demonstrating its impact on protein function have been reported. One clinical diagnostic laboratory has submitted a clinical-significance assessment for this variant to ClinVar after 2014 and classified the variant as uncertain significance. Based on the evidence outlined above, the variant was classified as uncertain significance.

NC_000017.10:g.[(59861786_59870957)_(59886119_59924461)dup;(?_59870952)_(59886124_?)dup]

Variant type: Haplotype.
Identifiers: ClinVar variation 2429295 (VCV002429295.2).